The following is an entry in ClinVar:

NM_130839.5(UBE3A):c.2330A>G (p.Tyr777Cys)

Genes: SNHG14 (small nucleolar RNA host gene 14; plus strand), UBE3A (ubiquitin protein ligase E3A; minus strand). Cytogenetic location: 15q11.2.
Variant type: single nucleotide variant.
Coding change: c.2330A>G on transcript NM_130839.5 (MANE Select); coding-DNA position 2330, A replaced by G.
Protein change: p.Tyr777Cys; replaces tyrosine 777 with cysteine.
Molecular consequence: missense variant. On other transcripts: non-coding transcript variant (1).
Genome position (GRCh38, 1-based): chr15:25,354,377, T>C on the plus strand (A>G on the coding strand, the complement: UBE3A is on the minus strand). VCF-style: chr15-25354377-T-C. GRCh37 (hg19) VCF-style: chr15-25599524-T-C.
Other names: c.2339A>G, p.Tyr780Cys (NM_000462.5); c.2330A>G, p.Tyr777Cys (NM_001354505.1, NM_001354538.2); c.2270A>G, p.Tyr757Cys (NM_001354506.2, NM_001354507.2, NM_001354508.2 and 14 more transcripts); c.2174A>G, p.Tyr725Cys (NM_001354545.2); c.2153A>G, p.Tyr718Cys (NM_001354546.2); c.2114A>G, p.Tyr705Cys (NM_001354547.2, NM_001354548.2); c.2105A>G, p.Tyr702Cys (NM_001354549.2); c.1079A>G, p.Tyr360Cys (NM_001354550.2); and 1 more; short protein forms Y718C, Y780C, Y340C, Y360C, Y705C, Y757C, Y702C, Y777C.
Identifiers: ClinVar variation 3665277 (VCV003665277.3).
Genomic context (GRCh38, chr15:25,354,377, plus strand): 5'-GAATCAAATCTTCCTCTGAAGAACTAAGTACCTCACCTAATCAGAACAGAGTCCCTGGTA[T>C]AGCCACCGTCATATTCTGTAGTTTCTTCTAGTGCTTGGAAATCTAGATTCTGCAAATTCA-3'
Protein context (NP_570854.1, residues 767-787): LEETTEYDGG[Tyr777Cys]TRDSVLIREF

ClinVar aggregate classification (germline): Uncertain significance. Review status: criteria provided, multiple submitters, no conflicts (2 of 4 stars). 2 submissions from 2 submitters: Uncertain significance (2). Last evaluated 2026-10-13.

Conditions:
Angelman syndrome (AS). Also called: HAPPY PUPPET SYNDROME. Identifiers: Orphanet 72, MedGen C0162635, MONDO:0007113, OMIM 105830. Disease mechanism: loss of function. Inheritance: AS is caused by disruption of maternally imprinted UBE3A located within the 15q11.2-q13 Angelman syndrome/Prader-Willi syndrome (AS/PWS) region., imprinting disorder.

Submissions (2):

Diagnosis and Treatment Center for Children, The Affiliated Hospital of Changchun University of Chinese Medicine
Classification: Uncertain significance for Angelman syndrome. Last evaluated: 2026-10-13. Review status: criteria provided, single submitter. Criteria: ACMG Guidelines, 2015. Collection method: provider interpretation. Allele origin: germline. Inheritance: Autosomal dominant inheritance with paternal imprinting. Affected: yes. Observed: 1 variant allele, 1 heterozygote.
Comment: The UBE3A variant NM_130839.5:c.2330A>G, p.(Tyr777Cys), was reassessed using the ClinGen UBE3A-specific VCEP specifications, version 7.0. Because independent confirmation of biological maternity and paternity was unavailable, this finding was assessed as an assumed de novo occurrence (PM6_Moderate), rather than using PS2. The laboratory report dated 12 December 2025 documented absence from gnomAD v2 and v3, including their East Asian datasets (PM2_Supporting), and a REVEL prediction interval of [0.644, 0.773), meeting the gene-specific threshold for PP3_Supporting. These population and prediction results were taken from the laboratory report and were not independently regenerated. Computational predictions were counted once and were not treated as experimental evidence. No variant-specific functional studies were available. The variant's location on the maternally or paternally derived chromosome was not determined. The combination of one Moderate and two Supporting criteria is insufficient for a likely pathogenic classification; therefore, the variant remains classified as uncertain significance.

Labcorp Genetics (formerly Invitae), Labcorp
Classification: Uncertain significance for Angelman syndrome. Last evaluated: 2024-12-15. Review status: criteria provided, single submitter. Criteria: Invitae Variant Classification Sherloc (09022015). Collection method: clinical testing. Allele origin: germline.
Comment: This sequence change replaces tyrosine, which is neutral and polar, with cysteine, which is neutral and slightly polar, at codon 757 of the UBE3A protein (p.Tyr757Cys). This variant is not present in population databases (gnomAD no frequency). This variant has not been reported in the literature in individuals affected with UBE3A-related conditions. Invitae Evidence Modeling of protein sequence and biophysical properties (such as structural, functional, and spatial information, amino acid conservation, physicochemical variation, residue mobility, and thermodynamic stability) indicates that this missense variant is expected to disrupt UBE3A protein function with a positive predictive value of 80%. In summary, the available evidence is currently insufficient to determine the role of this variant in disease. Therefore, it has been classified as a Variant of Uncertain Significance.